The following is an entry in ClinVar:

NM_001271.4(CHD2):c.1934C>T (p.Thr645Met)

Gene: CHD2 (chromodomain helicase DNA binding protein 2; plus strand). Cytogenetic location: 15q26.1.
Variant type: single nucleotide variant.
Coding change: c.1934C>T on transcript NM_001271.4 (MANE Select); coding-DNA position 1934, C replaced by T.
Protein change: p.Thr645Met; replaces threonine 645 with methionine.
Molecular consequence: missense variant.
Genome position (GRCh38, 1-based): chr15:92,956,583, C>T. VCF-style: chr15-92956583-C-T. GRCh37 (hg19) VCF-style: chr15-93499813-C-T.
Other names: short protein forms T645M.
Identifiers: ClinVar variation 1012379 (VCV001012379.52), dbSNP rs2053619460, ClinGen allele CA393906477.

ClinVar aggregate classification (germline): Pathogenic/Likely pathogenic. Review status: criteria provided, multiple submitters, no conflicts (2 of 4 stars). 9 submissions from 9 submitters: Pathogenic (5); Likely pathogenic (3). 1 of the submissions does not count toward it. Last evaluated 2026-06-01.

Conditions:
Developmental and epileptic encephalopathy 94 (DEE94). Also called: Epileptic encephalopathy, childhood-onset; CHD2-Related Neurodevelopmental Disorders. Identifiers: Orphanet 1942, Orphanet 2382, MedGen C3809278, MONDO:0014150, OMIM 615369.
Inborn genetic diseases. Identifiers: MedGen C0950123, MeSH D030342.
Seizure. Also called: Seizures. Identifiers: MedGen C0036572, HP:0001250.
CHD2-related disorder. Also called: CHD2-related condition.
Neurodevelopmental disorder. Identifiers: MedGen C1535926, MeSH D065886, MONDO:0700092.

Submissions (9):

Ambry Genetics
Classification: Pathogenic for Inborn genetic diseases. Last evaluated: 2026-06-01. Review status: criteria provided, single submitter. Criteria: Ambry Variant Classification Scheme 2023. Collection method: clinical testing. Allele origin: germline.
Comment: The c.1934C>T (p.T645M) alteration is located in exon 16 (coding exon 15) of the CHD2 gene. This alteration results from a C to T substitution at nucleotide position 1934, causing the threonine (T) at amino acid position 645 to be replaced by a methionine (M). This variant was not reported in population-based cohorts in the Genome Aggregation Database (gnomAD). This variant was reported in individual(s) with features consistent with CHD2-related developmental and epileptic encephalopathy; in at least one individual, it was determined to be de novo or the result of germline mosaicism (Lebrun, 2017; Feng, 2022). Other variant(s) at the same codon, c.1934C>A (p.T645K), have been identified in individual(s) with features consistent with CHD2-related developmental and epileptic encephalopathy (Clara-Hwang, 2024). This amino acid position is highly conserved in available vertebrate species. This missense variant is located in a region that has a low rate of benign missense variation (Lek, 2016; Firth, 2009). This alteration is predicted to be deleterious by in silico analysis. Based on the available evidence, this alteration is classified as pathogenic.

PreventionGenetics, part of Exact Sciences
Classification: Likely pathogenic for CHD2-related condition. Last evaluated: 2025-02-28. Review status: criteria provided, single submitter. Criteria: ACMG Guidelines, 2015. Collection method: clinical testing. Allele origin: germline.
Comment: The CHD2 c.1934C>T variant is predicted to result in the amino acid substitution p.Thr645Met. This variant was reported to be de novo in two siblings, one affected by seizures, language delay, and aggressive behavior and later in life, with hypotonia, lower limb hypertonia, scoliosis where the second sibling is affected by mild intellectual disability and aggressive behavior (Lebrun et al. 2017. PubMed ID: 28960266). This variant has not been reported in a large population database (gnomAD), indicating this variant is rare. This variant is interpreted as likely pathogenic.

Institute of Human Genetics, Heidelberg University
Classification: Pathogenic for Developmental and epileptic encephalopathy 94. Last evaluated: 2025-01-10. Review status: criteria provided, single submitter. Criteria: ACMG Guidelines, 2015. Collection method: clinical testing. Allele origin: de novo. Affected: yes.
Comment: PM6, PM1, PM2_supp, PP3_s, PS4_mod, PP1_mod

Labcorp Genetics (formerly Invitae), Labcorp
Classification: Pathogenic for Developmental and epileptic encephalopathy 94. Last evaluated: 2023-12-19. Review status: criteria provided, single submitter. Criteria: Invitae Variant Classification Sherloc (09022015). Collection method: clinical testing. Allele origin: germline.
Comment: This sequence change replaces threonine, which is neutral and polar, with methionine, which is neutral and non-polar, at codon 645 of the CHD2 protein (p.Thr645Met). This variant is not present in population databases (gnomAD no frequency). This missense change has been observed in individual(s) with CHD2-related conditions (PMID: 28960266). In at least one individual the variant was observed to be de novo. ClinVar contains an entry for this variant (Variation ID: 1012379). Advanced modeling of protein sequence and biophysical properties (such as structural, functional, and spatial information, amino acid conservation, physicochemical variation, residue mobility, and thermodynamic stability) performed at Invitae indicates that this missense variant is expected to disrupt CHD2 protein function with a positive predictive value of 80%. For these reasons, this variant has been classified as Pathogenic.

Laboratory of Molecular Genetics (Pr. Bezieau's lab), CHU de Nantes
Classification: Pathogenic for Neurodevelopmental disorder. Last evaluated: 2023-01-18. Review status: criteria provided, single submitter. Criteria: ACMG Guidelines, 2015. Collection method: clinical testing. Allele origin: germline. Affected: yes.

MGZ Medical Genetics Center
Classification: Likely pathogenic for Developmental and epileptic encephalopathy 94. Last evaluated: 2022-06-23. Review status: criteria provided, single submitter. Criteria: ACMG Guidelines, 2015. Collection method: clinical testing. Allele origin: germline. Affected: yes. Observed: 1 variant allele.
Comment: ACMG criteria applied: PS2_MOD, PS4_MOD, PM2_SUP, PP3

GeneDx
Classification: Pathogenic. Last evaluated: 2022-02-12. Review status: criteria provided, single submitter. Criteria: GeneDx Variant Classification Process June 2021. Collection method: clinical testing. Allele origin: germline. Affected: yes.
Comment: Not observed in large population cohorts (gnomAD); In silico analysis supports that this missense variant has a deleterious effect on protein structure/function; This variant is associated with the following publications: (PMID: 26582918, 27535533, 28960266)

CeGaT Center for Human Genetics Tuebingen
Classification: Likely pathogenic. Last evaluated: 2020-12-01. Review status: criteria provided, single submitter. Criteria: CeGaT Center For Human Genetics Tuebingen Variant Classification Criteria Version 2. Collection method: clinical testing. Allele origin: germline. Affected: yes. Observed: 1 variant allele.

Diagnostic Laboratory, Strasbourg University Hospital
Classification: Likely pathogenic for Seizure. Review status: no assertion criteria provided. Collection method: clinical testing. Allele origin: germline. Affected: yes. Observed: 1 heterozygote. Not counted in ClinVar's aggregate classification.

Literature cited by the submitters: PubMed 28960266 (cited by Ambry Genetics and Labcorp Genetics (formerly Invitae), Labcorp); PubMed 35774528 (cited by Ambry Genetics); PubMed 39035822 (cited by Ambry Genetics).